The following is an entry in ClinVar:

ClinVar aggregate classification (germline): Uncertain significance. Review status: criteria provided, multiple submitters, no conflicts (2 of 4 stars). 2 submissions from 2 submitters: Uncertain significance (2). Last evaluated 2025-03-05.

Conditions:
Hereditary breast ovarian cancer syndrome. Also called: Hereditary breast and ovarian cancer; BRCA1- and BRCA2-Associated Hereditary Breast and Ovarian Cancer; Hereditary breast and ovarian cancer syndrome; Breast and ovarian cancer; Hereditary breast and ovarian cancer syndrome (HBOC); Hereditary breast and/or ovarian cancer syndrome. Identifiers: Orphanet 145, MedGen C0677776, MeSH D061325, MONDO:0003582. Disease mechanism: loss of function.
Hereditary cancer-predisposing syndrome. Also called: Neoplastic Syndromes, Hereditary; Tumor predisposition; Hereditary Cancer Syndrome; Hereditary neoplastic syndrome. Identifiers: Orphanet 140162, MedGen C0027672, MeSH D009386, MONDO:0015356.

Submissions (2):

Ambry Genetics
Classification: Uncertain significance for Hereditary cancer-predisposing syndrome. Last evaluated: 2025-03-05. Review status: criteria provided, single submitter. Criteria: Ambry Variant Classification Scheme 2023. Collection method: clinical testing. Allele origin: germline.
Comment: The p.T2225I variant (also known as c.6674C>T), located in coding exon 10 of the BRCA2 gene, results from a C to T substitution at nucleotide position 6674. The threonine at codon 2225 is replaced by isoleucine, an amino acid with similar properties. This amino acid position is conserved. In addition, the in silico prediction for this alteration is inconclusive. Based on the available evidence, the clinical significance of this variant remains unclear.

Labcorp Genetics (formerly Invitae), Labcorp
Classification: Uncertain significance for Hereditary breast ovarian cancer syndrome. Last evaluated: 2022-11-23. Review status: criteria provided, single submitter. Criteria: Invitae Variant Classification Sherloc (09022015). Collection method: clinical testing. Allele origin: germline.
Comment: In summary, the available evidence is currently insufficient to determine the role of this variant in disease. Therefore, it has been classified as a Variant of Uncertain Significance. Advanced modeling of protein sequence and biophysical properties (such as structural, functional, and spatial information, amino acid conservation, physicochemical variation, residue mobility, and thermodynamic stability) performed at Invitae indicates that this missense variant is not expected to disrupt BRCA2 protein function. This variant has not been reported in the literature in individuals affected with BRCA2-related conditions. This variant is not present in population databases (gnomAD no frequency). This sequence change replaces threonine, which is neutral and polar, with isoleucine, which is neutral and non-polar, at codon 2225 of the BRCA2 protein (p.Thr2225Ile).

NM_000059.4(BRCA2):c.6674C>T (p.Thr2225Ile)

Gene: BRCA2 (BRCA2 DNA repair associated; plus strand). Cytogenetic location: 13q13.1.
Variant type: single nucleotide variant.
Coding change: c.6674C>T on transcript NM_000059.4 (MANE Select); coding-DNA position 6674, C replaced by T.
Protein change: p.Thr2225Ile; replaces threonine 2225 with isoleucine.
Molecular consequence: missense variant. On other transcripts: non-coding transcript variant (1), intron variant (2).
Genome position (GRCh38, 1-based): chr13:32,341,029, C>T. VCF-style: chr13-32341029-C-T. GRCh37 (hg19) VCF-style: chr13-32915166-C-T.
Other names: c.6674C>T, p.Thr2225Ile (NM_001406719.1, NM_001406720.1); c.1910-3529C>T (NM_001406721.1); c.425-3529C>T (NM_001406722.1); short protein forms T2225I.
Identifiers: ClinVar variation 2816061 (VCV002816061.4), dbSNP rs786203437, ClinGen allele CA387790540.